The following is an entry in ClinVar:

ClinVar aggregate classification (germline): Uncertain significance (1 of 4 stars; one submission).

Conditions:
CCDC115-CDG. Also called: CONGENITAL DISORDER OF GLYCOSYLATION, TYPE IIo; CDG IIo. Identifiers: Orphanet 468684, MedGen C4225191, MONDO:0014789, OMIM 616828.

gnomAD v4.1: 23 of 1,613,992 alleles (0.0014%); highest among the groups gnomAD compares: South Asian, 0.013%; no homozygotes.

Submission:

Neuberg Centre For Genomic Medicine, NCGM
Classification: Uncertain significance for CCDC115-CDG. Last evaluated: 2023-07-22. Review status: criteria provided, single submitter. Criteria: ACMG Guidelines, 2015. Collection method: clinical testing. Allele origin: germline. Inheritance: Autosomal recessive inheritance. Affected: yes.
Comment: The missense c.470G>Ap.Arg157His variant in CCDC115 gene has not been reported previously as a pathogenic variant nor as a benign variant, to our knowledge. The p.Arg157His variant is present with allele frequency of 0.002% in gnomAD Exomes. This variant has not been submitted to the ClinVar database. Multiple lines of computational evidences Polyphen - Benign, SIFT - Tolerated and MutationTaster - Disease causing predict conflicting evidence on protein structure and function for this variant. The reference amino acid at this position on CCDC115 gene is predicted as conserved by GERP++ and PhyloP across 100 vertebrates. The amino acid Arg at position 157 is changed to a His changing protein sequence and it might alter its composition and physico-chemical properties. For these reasons, this variant has been classified as a Variant of Uncertain Significance VUS.

NM_032357.4(CCDC115):c.470G>A (p.Arg157His)

Gene: CCDC115 (coiled-coil domain containing 115; minus strand). Cytogenetic location: 2q21.1.
Variant type: single nucleotide variant.
Coding change: c.470G>A on transcript NM_032357.4 (MANE Select); coding-DNA position 470, G replaced by A.
Protein change: p.Arg157His; replaces arginine 157 with histidine.
Molecular consequence: missense variant. On other transcripts: non-coding transcript variant (2).
Genome position (GRCh38, 1-based): chr2:130,339,193, C>T on the plus strand (G>A on the coding strand, the complement: CCDC115 is on the minus strand). VCF-style: chr2-130339193-C-T. GRCh37 (hg19) VCF-style: chr2-131096766-C-T.
Other names: c.455G>A, p.Arg152His (NM_001321118.1); c.446G>A, p.Arg149His (NM_001321119.2); short protein forms R149H, R152H, R157H.
Identifiers: ClinVar variation 3391372 (VCV003391372.1).